The following is an entry in ClinVar:

NM_001370259.2(MEN1):c.301G>T (p.Val101Phe)

Gene: MEN1 (menin 1; minus strand). Cytogenetic location: 11q13.1.
Variant type: single nucleotide variant.
Coding change: c.301G>T on transcript NM_001370259.2 (MANE Select); coding-DNA position 301, G replaced by T.
Protein change: p.Val101Phe; replaces valine 101 with phenylalanine.
Molecular consequence: missense variant. On other transcripts: non-coding transcript variant (4).
Genome position (GRCh38, 1-based): chr11:64,809,809, C>A on the plus strand (G>T on the coding strand, the complement: MEN1 is on the minus strand). VCF-style: chr11-64809809-C-A. GRCh37 (hg19) VCF-style: chr11-64577281-C-A.
Other names: c.301G>T, p.Val101Phe (NM_000244.4, NM_001370251.2, NM_001370260.2 and 20 more transcripts); short protein forms V101F.
Identifiers: ClinVar variation 2564991 (VCV002564991.2), dbSNP rs1242887389, ClinGen allele CA381187451.

ClinVar aggregate classification (germline): Uncertain significance (1 of 4 stars; one submission).

Conditions:
Hereditary cancer-predisposing syndrome. Also called: Neoplastic Syndromes, Hereditary; Hereditary Cancer Syndrome; Hereditary neoplastic syndrome; Tumor predisposition. Identifiers: Orphanet 140162, MedGen C0027672, MeSH D009386, MONDO:0015356.

Submission:

Ambry Genetics
Classification: Uncertain significance for Hereditary cancer-predisposing syndrome. Last evaluated: 2023-06-01. Review status: criteria provided, single submitter. Criteria: Ambry Variant Classification Scheme 2023. Collection method: clinical testing. Allele origin: germline.
Comment: The p.V101F variant (also known as c.301G>T), located in coding exon 1 of the MEN1 gene, results from a G to T substitution at nucleotide position 301. The valine at codon 101 is replaced by phenylalanine, an amino acid with highly similar properties. This amino acid position is conserved. In addition, this alteration is predicted to be deleterious by in silico analysis. Since supporting evidence is limited at this time, the clinical significance of this alteration remains unclear.